The following is an entry in ClinVar:

ClinVar aggregate classification (germline): Likely pathogenic. Review status: criteria provided, single submitter (1 of 4 stars). 2 submissions from 2 submitters: Likely pathogenic (1). 1 of the submissions does not count toward it. Last evaluated 2023-12-22.

Conditions:
Auditory neuropathy. Identifiers: MedGen C1852271, MONDO:0021944.
Autosomal recessive nonsyndromic hearing loss 9. Also called: NEUROSENSORY NONSYNDROMIC RECESSIVE DEAFNESS 9; OTOF-Related Hearing Loss; Deafness, autosomal recessive 9; AUDITORY NEUROPATHY, AUTOSOMAL RECESSIVE, 1, TEMPERATURE-SENSITIVE. Identifiers: Orphanet 90636, MedGen C1832828, MONDO:0010986, OMIM 601071.

Submissions (2):

WangQJ Lab, Chinese People's Liberation Army General Hospital
Classification: Likely pathogenic for Auditory neuropathy. Last evaluated: 2023-12-22. Review status: criteria provided, single submitter. Criteria: Submitter's publication. Collection method: research. Allele origin: germline. Affected: yes. Observed: 1 variant allele.

Diagnosis and Treatment Center of Genetic Hearing Loss, Eye & ENT Hospital of Fudan University
Classification: Pathogenic for Autosomal recessive nonsyndromic hearing loss 9. Last evaluated: 2026-02-04. Review status: no assertion criteria provided. Collection method: clinical testing. Allele origin: germline. Inheritance: Autosomal recessive inheritance. Affected: yes. Not counted in ClinVar's aggregate classification.
Comment: The c.2688del frameshift variant in OTOF leads to a premature stop codon and predicted NMD (PVS1). It is absent from population databases (PM2_Supporting). The phenotype is consistent with auditory neuropathy (PP4).

NM_194248.3(OTOF):c.2688del (p.Lys896fs)

Gene: OTOF (otoferlin; minus strand). Cytogenetic location: 2p23.3.
Variant type: Deletion.
Coding change: c.2688del on transcript NM_194248.3 (MANE Select); coding-DNA position 2688, one base deleted (G; older notation c.2688delG).
Protein change: p.Lys896fs; shifts the reading frame from lysine 896.
Molecular consequence: frameshift variant.
Genome position (GRCh38, 1-based): chr2:26,476,306, C deleted on the plus strand (G on the coding strand, the reverse complement: OTOF is on the minus strand). VCF-style (leftmost placement, unchanged base first): chr2-26476305-GC-G. GRCh37 (hg19) VCF-style: chr2-26699173-GC-G.
Other names: c.2688del, p.Lys896fs (NM_001287489.2); c.447del, p.Lys149fs (NM_004802.4, NM_194323.3); c.618del, p.Lys206fs (NM_194322.3); short protein forms K149fs, K206fs, K896fs.
Identifiers: ClinVar variation 2683868 (VCV002683868.2), dbSNP rs2465585150, ClinGen allele CA2697547885.